The following is an entry in ClinVar:

NM_003849.4(SUCLG1):c.202-8C>T

Gene: SUCLG1 (succinate-CoA ligase GDP/ADP-forming subunit alpha; minus strand). Cytogenetic location: 2p11.2.
Variant type: single nucleotide variant.
Coding change: c.202-8C>T on transcript NM_003849.4 (MANE Select); 8 bases into the intron before coding-DNA position 202, C replaced by T.
Molecular consequence: intron variant.
Genome position (GRCh38, 1-based): chr2:84,443,408, G>A on the plus strand (C>T on the coding strand, the complement: SUCLG1 is on the minus strand). VCF-style: chr2-84443408-G-A. GRCh37 (hg19) VCF-style: chr2-84670532-G-A.
Identifiers: ClinVar variation 762044 (VCV000762044.11), dbSNP rs1342114001, ClinGen allele CA915944076.
Genomic context (GRCh38, chr2:84,443,408, plus strand): 5'-CCTCCAACGAGTTTGGTGCCATATTCCAATGCCTGCTGGCTGTGAAAGGTGCCCTGAGGG[G>A]AAAAAGCACAAGATCCATGAGAAACAGCAGACTGGTAAGCCCAAGAGAAGCAAAAGCAAT-3'

ClinVar aggregate classification (germline): Likely benign. Review status: criteria provided, multiple submitters, no conflicts (2 of 4 stars). 2 submissions from 2 submitters: Likely benign (2). Last evaluated 2026-05-21.

Conditions:
SUCLG1-related disorder. Also called: SUCLG1-related condition.
Mitochondrial DNA depletion syndrome 9 (MTDPS9). Also called: SUCLG1-Related Mitochondrial DNA Depletion Syndrome, Encephalomyopathic Form with Methylmalonic Aciduria. Identifiers: Orphanet 17, MedGen C3151476, MONDO:0009504, OMIM 245400.

Allele frequency attached by ClinVar (database versions not stated): TOPMed below 0.00001.

Submissions (2):

PreventionGenetics, part of Exact Sciences
Classification: Likely benign for SUCLG1-related condition. Last evaluated: 2026-05-21. Review status: criteria provided, single submitter. Criteria: ACMG Guidelines, 2015. Collection method: clinical testing. Allele origin: germline.
Comment: This variant is classified as likely benign based on ACMG/AMP sequence variant interpretation guidelines (Richards et al. 2015 PMID: 25741868, with internal and published modifications).

Labcorp Genetics (formerly Invitae), Labcorp
Classification: Likely benign for Mitochondrial DNA depletion syndrome 9. Last evaluated: 2019-03-09. Review status: criteria provided, single submitter. Criteria: Invitae Variant Classification Sherloc (09022015). Collection method: clinical testing. Allele origin: germline.